The following is an entry in ClinVar:

ClinVar aggregate classification (germline): Uncertain significance (1 of 4 stars; one submission).

Conditions:
Epidermolysis bullosa simplex 3, localized or generalized intermediate, with BP230 deficiency (EBS3). Also called: Epidermolysis bullosa simplex due to BP230 deficiency; Epidermolysis bullosa simplex, autosomal recessive 2. Identifiers: Orphanet 412181, MedGen C3809470, MONDO:0014180, OMIM 615425.
Hereditary sensory and autonomic neuropathy type 6. Also called: HSAN VI; Neuropathy, hereditary sensory and autonomic, type VI. Identifiers: Orphanet 314381, MedGen C3539003, MONDO:0013839, OMIM 614653.

Submission:

Labcorp Genetics (formerly Invitae), Labcorp
Classification: Uncertain significance for Epidermolysis bullosa simplex 3, localized or generalized intermediate, with BP230 deficiency; Hereditary sensory and autonomic neuropathy type 6. Last evaluated: 2022-10-25. Review status: criteria provided, single submitter. Criteria: Invitae Variant Classification Sherloc (09022015). Collection method: clinical testing. Allele origin: germline.
Comment: In summary, the available evidence is currently insufficient to determine the role of this variant in disease. Therefore, it has been classified as a Variant of Uncertain Significance. Algorithms developed to predict the effect of missense changes on protein structure and function (SIFT, PolyPhen-2, Align-GVGD) all suggest that this variant is likely to be disruptive. ClinVar contains an entry for this variant (Variation ID: 1514892). This variant has not been reported in the literature in individuals affected with DST-related conditions. This variant is not present in population databases (gnomAD no frequency). This sequence change replaces glutamine, which is neutral and polar, with glutamic acid, which is acidic and polar, at codon 810 of the DST protein (p.Gln810Glu).

NM_001374736.1(DST):c.4039C>G (p.Gln1347Glu)

Gene: DST (dystonin; minus strand). Cytogenetic location: 6p12.1.
Variant type: single nucleotide variant.
Coding change: c.4039C>G on transcript NM_001374736.1 (MANE Select); coding-DNA position 4039, C replaced by G.
Protein change: p.Gln1347Glu; replaces glutamine 1347 with glutamic acid.
Molecular consequence: missense variant.
Genome position (GRCh38, 1-based): chr6:56,631,314, G>C on the plus strand (C>G on the coding strand, the complement: DST is on the minus strand). VCF-style: chr6-56631314-G-C. GRCh37 (hg19) VCF-style: chr6-56496112-G-C.
Other names: c.3940C>G, p.Gln1314Glu (NM_001144769.5); c.3526C>G, p.Gln1176Glu (NM_001144770.2); c.4039C>G, p.Gln1347Glu (NM_001374722.1); c.3406C>G, p.Gln1136Glu (NM_001374729.1, NM_001374730.1, NM_001386100.1 and 1 more transcripts); c.4066C>G, p.Gln1356Glu (NM_001374734.1); c.2428C>G, p.Gln810Glu (NM_001723.7, NM_015548.5); short protein forms Q1347E, Q810E, Q1176E, Q1356E, Q1136E, Q1314E.
Identifiers: ClinVar variation 1514892 (VCV001514892.8), dbSNP rs2152759502, ClinGen allele CA364574551.